The following is an entry in ClinVar:

ClinVar aggregate classification (germline): Uncertain significance (1 of 4 stars; one submission).

Conditions:
Hereditary cancer-predisposing syndrome. Also called: Neoplastic Syndromes, Hereditary; Hereditary Cancer Syndrome; Hereditary neoplastic syndrome; Tumor predisposition. Identifiers: Orphanet 140162, MedGen C0027672, MeSH D009386, MONDO:0015356.

Submission:

Labcorp Genetics (formerly Invitae), Labcorp
Classification: Uncertain significance for Hereditary cancer-predisposing syndrome. Last evaluated: 2021-12-15. Review status: criteria provided, single submitter. Criteria: Invitae Variant Classification Sherloc (09022015). Collection method: clinical testing. Allele origin: germline.
Comment: In summary, the available evidence is currently insufficient to determine the role of this variant in disease. Therefore, it has been classified as a Variant of Uncertain Significance. Algorithms developed to predict the effect of missense changes on protein structure and function are either unavailable or do not agree on the potential impact of this missense change (SIFT: "Deleterious"; PolyPhen-2: "Possibly Damaging"; Align-GVGD: "Class C15"). This variant has not been reported in the literature in individuals affected with RAD50-related conditions. This variant is not present in population databases (gnomAD no frequency). This sequence change replaces glutamic acid, which is acidic and polar, with glycine, which is neutral and non-polar, at codon 456 of the RAD50 protein (p.Glu456Gly).

NM_005732.4(RAD50):c.1367A>G (p.Glu456Gly)

Gene: RAD50 (RAD50 double strand break repair protein; plus strand). Cytogenetic location: 5q31.1.
Variant type: single nucleotide variant.
Coding change: c.1367A>G on transcript NM_005732.4 (MANE Select); coding-DNA position 1367, A replaced by G.
Protein change: p.Glu456Gly; replaces glutamic acid 456 with glycine.
Molecular consequence: missense variant.
Genome position (GRCh38, 1-based): chr5:132,589,752, A>G. VCF-style: chr5-132589752-A-G. GRCh37 (hg19) VCF-style: chr5-131925444-A-G.
Other names: short protein forms E456G.
Identifiers: ClinVar variation 2043470 (VCV002043470.4), dbSNP rs2479637197, ClinGen allele CA360944364.